The following is an entry in ClinVar:

NM_005159.5(ACTC1):c.178G>T (p.Ala60Ser)

Genes: GJD2-DT (GJD2 divergent transcript; plus strand), ACTC1 (actin alpha cardiac muscle 1; minus strand). Cytogenetic location: 15q14.
Variant type: single nucleotide variant.
Coding change: c.178G>T on transcript NM_005159.5 (MANE Select); coding-DNA position 178, G replaced by T.
Protein change: p.Ala60Ser; replaces alanine 60 with serine.
Molecular consequence: missense variant. On other transcripts: 5 prime UTR variant (1).
Genome position (GRCh38, 1-based): chr15:34,793,521, C>A on the plus strand (G>T on the coding strand, the complement: ACTC1 is on the minus strand). VCF-style: chr15-34793521-C-A. GRCh37 (hg19) VCF-style: chr15-35085722-C-A.
Other names: c.178G>T, p.Ala60Ser (NM_001406482.1, NM_001406483.1); c.43G>T, p.Ala15Ser (NM_001406484.1); c.-211G>T (NM_001406485.1); short protein forms A15S, A60S.
Identifiers: ClinVar variation 3224600 (VCV003224600.1), dbSNP rs1555418912, ClinGen allele CA391632078.

ClinVar aggregate classification (germline): Uncertain significance (1 of 4 stars; one submission).

Conditions:
Cardiovascular phenotype. Identifiers: MedGen CN230736.

Submission:

Ambry Genetics
Classification: Uncertain significance for Cardiovascular phenotype. Last evaluated: 2023-09-22. Review status: criteria provided, single submitter. Criteria: Ambry Variant Classification Scheme 2023. Collection method: clinical testing. Allele origin: germline.
Comment: The p.A60S variant (also known as c.178G>T), located in coding exon 2 of the ACTC1 gene, results from a G to T substitution at nucleotide position 178. The alanine at codon 60 is replaced by serine, an amino acid with similar properties. This amino acid position is highly conserved in available vertebrate species. In addition, this alteration is predicted to be deleterious by in silico analysis. Since supporting evidence is limited at this time, the clinical significance of this alteration remains unclear.